The following is an entry in ClinVar:

NM_012213.3(MLYCD):c.497C>T (p.Ala166Val)

Genes: MLYCD (malonyl-CoA decarboxylase; plus strand), LOC130059555 (ATAC-STARR-seq lymphoblastoid silent region 7770; plus strand). Cytogenetic location: 16q23.3.
Variant type: single nucleotide variant.
Coding change: c.497C>T on transcript NM_012213.3 (MANE Select); coding-DNA position 497, C replaced by T.
Protein change: p.Ala166Val; replaces alanine 166 with valine.
Molecular consequence: missense variant.
Genome position (GRCh38, 1-based): chr16:83,899,641, C>T. VCF-style: chr16-83899641-C-T. GRCh37 (hg19) VCF-style: chr16-83933246-C-T.
Other names: short protein forms A166V.
Identifiers: ClinVar variation 851669 (VCV000851669.8), dbSNP rs774598772, ClinGen allele CA8197250.

ClinVar aggregate classification (germline): Uncertain significance. Review status: criteria provided, multiple submitters, no conflicts (2 of 4 stars). 2 submissions from 2 submitters: Uncertain significance (2). Last evaluated 2022-11-18.

Conditions:
Deficiency of malonyl-CoA decarboxylase. Also called: Malonic aciduria; MCD deficiency. Identifiers: Orphanet 943, MedGen C0342793, MONDO:0009556, OMIM 248360.
Inborn genetic diseases. Identifiers: MedGen C0950123, MeSH D030342.

Allele frequency attached by ClinVar (database versions not stated): gnomAD exomes 0.00003 and 0.00004; TOPMed 0.00003; gnomAD 0.00004 and 0.00005; ExAC 0.00009.
gnomAD v4.1: 60 of 1,551,664 alleles (0.0039%); highest among the groups gnomAD compares: Admixed American, 0.0075%; no homozygotes.

Submissions (2):

Ambry Genetics
Classification: Uncertain significance for Inborn genetic diseases. Last evaluated: 2022-11-18. Review status: criteria provided, single submitter. Criteria: Ambry Variant Classification Scheme 2023. Collection method: clinical testing. Allele origin: germline.

Labcorp Genetics (formerly Invitae), Labcorp
Classification: Uncertain significance for Deficiency of malonyl-CoA decarboxylase. Last evaluated: 2022-03-18. Review status: criteria provided, single submitter. Criteria: Invitae Variant Classification Sherloc (09022015). Collection method: clinical testing. Allele origin: germline.
Comment: This sequence change replaces alanine, which is neutral and non-polar, with valine, which is neutral and non-polar, at codon 166 of the MLYCD protein (p.Ala166Val). This variant is present in population databases (rs774598772, gnomAD 0.005%). This variant has not been reported in the literature in individuals affected with MLYCD-related conditions. ClinVar contains an entry for this variant (Variation ID: 851669). Algorithms developed to predict the effect of missense changes on protein structure and function are either unavailable or do not agree on the potential impact of this missense change (SIFT: "Deleterious"; PolyPhen-2: "Benign"; Align-GVGD: "Class C0"). In summary, the available evidence is currently insufficient to determine the role of this variant in disease. Therefore, it has been classified as a Variant of Uncertain Significance.